The following is an entry in ClinVar:

ClinVar aggregate classification (germline): Uncertain significance (1 of 4 stars; one submission).

Allele frequency attached by ClinVar (database versions not stated): ExAC 0.00001; gnomAD exomes 0.00002.
gnomAD v4.1: 11 of 1,613,210 alleles (0.00068%); highest among the groups gnomAD compares: Non-Finnish European, 0.00093%; no homozygotes.

Submission:

Labcorp Genetics (formerly Invitae), Labcorp
Classification: Uncertain significance. Last evaluated: 2022-01-17. Review status: criteria provided, single submitter. Criteria: Invitae Variant Classification Sherloc (09022015). Collection method: clinical testing. Allele origin: germline.
Comment: This sequence change replaces alanine, which is neutral and non-polar, with proline, which is neutral and non-polar, at codon 1363 of the TRIOBP protein (p.Ala1363Pro). This variant is present in population databases (rs758538862, gnomAD 0.003%). In summary, the available evidence is currently insufficient to determine the role of this variant in disease. Therefore, it has been classified as a Variant of Uncertain Significance. Algorithms developed to predict the effect of missense changes on protein structure and function output the following: SIFT: "Deleterious"; PolyPhen-2: "Benign"; Align-GVGD: "Class C0". The proline amino acid residue is found in multiple mammalian species, which suggests that this missense change does not adversely affect protein function. This variant has not been reported in the literature in individuals affected with TRIOBP-related conditions.

NM_001039141.3(TRIOBP):c.4087G>C (p.Ala1363Pro)

Gene: TRIOBP (TRIO and F-actin binding protein; plus strand). Cytogenetic location: 22q13.1.
Variant type: single nucleotide variant.
Coding change: c.4087G>C on transcript NM_001039141.3 (MANE Select); coding-DNA position 4087, G replaced by C.
Protein change: p.Ala1363Pro; replaces alanine 1363 with proline.
Molecular consequence: missense variant.
Genome position (GRCh38, 1-based): chr22:37,734,423, G>C. VCF-style: chr22-37734423-G-C. GRCh37 (hg19) VCF-style: chr22-38130430-G-C.
Other names: short protein forms A1363P.
Identifiers: ClinVar variation 1899063 (VCV001899063.5), dbSNP rs758538862, ClinGen allele CA10224314.